The following is an entry in ClinVar:

NM_002972.4(SBF1):c.466C>T (p.His156Tyr)

Gene: SBF1 (SET binding factor 1; minus strand). Cytogenetic location: 22q13.33.
Variant type: single nucleotide variant.
Coding change: c.466C>T on transcript NM_002972.4 (MANE Select); coding-DNA position 466, C replaced by T.
Protein change: p.His156Tyr; replaces histidine 156 with tyrosine.
Molecular consequence: missense variant.
Genome position (GRCh38, 1-based): chr22:50,467,421, G>A on the plus strand (C>T on the coding strand, the complement: SBF1 is on the minus strand). VCF-style: chr22-50467421-G-A. GRCh37 (hg19) VCF-style: chr22-50905850-G-A.
Other names: p.His156Tyr; c.469C>T, p.His157Tyr (NM_001365819.1); short protein forms H157Y, H156Y.
Identifiers: ClinVar variation 727743 (VCV000727743.15), dbSNP rs146989767, ClinGen allele CA10318064.

ClinVar aggregate classification (germline): Likely benign. Review status: criteria provided, multiple submitters, no conflicts (2 of 4 stars). 5 submissions from 5 submitters: Likely benign (4). 1 of the submissions does not count toward it. Last evaluated 2026-02-01.

Conditions:
SBF1-related disorder. Also called: SBF1-related condition.

Allele frequency attached by ClinVar (database versions not stated): gnomAD exomes 0.00019 and 0.00045; ExAC 0.00049; 1000 Genomes Project 30x 0.00125; 1000 Genomes Project 0.00140; gnomAD 0.00176 and 0.00194; ESP Exome Variant Server 0.00195; TOPMed 0.00198.

Submissions (5):

Labcorp Genetics (formerly Invitae), Labcorp
Classification: Likely benign. Last evaluated: 2026-02-01. Review status: criteria provided, single submitter. Criteria: Invitae Variant Classification Sherloc (09022015). Collection method: clinical testing. Allele origin: germline.

Mayo Clinic Laboratories, Mayo Clinic
Classification: Likely benign. Last evaluated: 2025-04-22. Review status: criteria provided, single submitter. Criteria: ACMG Guidelines, 2015. Collection method: clinical testing. Allele origin: germline. Observed: 2 variant alleles.
Comment: BS1, BP4_moderate

GeneDx
Classification: Likely benign. Last evaluated: 2020-03-27. Review status: criteria provided, single submitter. Criteria: GeneDx Variant Classification Process June 2021. Collection method: clinical testing. Allele origin: germline. Affected: yes.

Breakthrough Genomics
Classification: Likely benign. Review status: criteria provided, single submitter. Criteria: ACMG Guidelines, 2015. Collection method: not provided. Allele origin: germline. Inheritance: Autosomal recessive inheritance. Affected: yes.

PreventionGenetics, part of Exact Sciences
Classification: Likely benign for SBF1-related condition. Last evaluated: 2019-09-17. Review status: no assertion criteria provided. Collection method: clinical testing. Allele origin: germline. Not counted in ClinVar's aggregate classification.
Comment: This variant is classified as likely benign based on ACMG/AMP sequence variant interpretation guidelines (Richards et al. 2015 PMID: 25741868, with internal and published modifications).